The following is an entry in ClinVar:

NM_000059.4(BRCA2):c.6235G>T (p.Val2079Leu)

Gene: BRCA2 (BRCA2 DNA repair associated; plus strand). Cytogenetic location: 13q13.1.
Variant type: single nucleotide variant.
Coding change: c.6235G>T on transcript NM_000059.4 (MANE Select); coding-DNA position 6235, G replaced by T.
Protein change: p.Val2079Leu; replaces valine 2079 with leucine.
Molecular consequence: missense variant.
Genome position (GRCh38, 1-based): chr13:32,340,590, G>T. VCF-style: chr13-32340590-G-T. GRCh37 (hg19) VCF-style: chr13-32914727-G-T.
Other names: short protein forms V2079L.
Identifiers: ClinVar variation 224466 (VCV000224466.6), dbSNP rs886037812, ClinGen allele CA10575923.

ClinVar aggregate classification (germline): Conflicting classifications of pathogenicity. Review status: criteria provided, conflicting classifications (1 of 4 stars). 4 submissions from 4 submitters: Uncertain significance (3); Likely benign (1). Last evaluated 2025-01-09.

Conditions:
Hereditary cancer-predisposing syndrome. Also called: Tumor predisposition; Hereditary neoplastic syndrome; Neoplastic Syndromes, Hereditary; Hereditary Cancer Syndrome. Identifiers: Orphanet 140162, MedGen C0027672, MeSH D009386, MONDO:0015356.
Breast neoplasm. Also called: Neoplasm of breast; Breast tumor; Neoplasm of the breast; Breast Neoplasms. Identifiers: MedGen C1458155, MeSH D001943, MONDO:0021100, HP:0100013. Disease mechanism: gain of function.

Submissions (4):

Quest Diagnostics Nichols Institute San Juan Capistrano
Classification: Uncertain significance. Last evaluated: 2025-01-09. Review status: criteria provided, single submitter. Criteria: Quest Diagnostics criteria. Collection method: clinical testing. Allele origin: unknown.
Comment: The BRCA2 c.6235G>T (p.Val2079Leu) variant has been reported in the published literature in an individual with breast cancer (PMID: 27257965 (2016)), and is described to be located in a region of the BRCA2 gene that is tolerant to missense sequence changes (PMID: 31911673 (2020)). This variant has not been reported in large, multi-ethnic general populations (Genome Aggregation Database). Analysis of this variant using bioinformatics tools for the prediction of the effect of amino acid changes on protein structure and function yielded predictions that this variant is benign. Based on the available information, we are unable to determine the clinical significance of this variant.

Ambry Genetics
Classification: Uncertain significance for Hereditary cancer-predisposing syndrome. Last evaluated: 2023-12-14. Review status: criteria provided, single submitter. Criteria: Ambry Variant Classification Scheme 2023. Collection method: clinical testing. Allele origin: germline.
Comment: The p.V2079L variant (also known as c.6235G>T), located in coding exon 10 of the BRCA2 gene, results from a G to T substitution at nucleotide position 6235. The valine at codon 2079 is replaced by leucine, an amino acid with highly similar properties. This alteration was identified in 1/507 unselected Chinese breast cancer patients (Zhong X et al. PLoS One, 2016 Jun;11:e0156789). This amino acid position is poorly conserved in available vertebrate species. In addition, this alteration is predicted to be tolerated by in silico analysis. Since supporting evidence is limited at this time, the clinical significance of this alteration remains unclear.

University of Washington Department of Laboratory Medicine, University of Washington
Classification: Likely benign for Hereditary cancer-predisposing syndrome. Last evaluated: 2023-03-23. Review status: criteria provided, single submitter. Criteria: Dines et al. (Genet Med. 2020). Collection method: curation. Allele origin: germline.
Comment: Missense variant in a coldspot region where missense variants are very unlikely to be pathogenic (PMID:31911673).

BRCA2 exon 11 coldspot. Reclassification based on statistical prior probability.

Laboratory of Molecular Diagnosis of Cancer, West China Hospital, Sichuan University
Classification: Uncertain significance for Breast neoplasm. Last evaluated: 2015-11-01. Review status: criteria provided, single submitter. Criteria: ACMG Guidelines, 2015. Collection method: research. Allele origin: germline. Affected: yes. Observed: 1 variant allele.

Literature cited by the submitters: PubMed 27257965 (cited by 3 submitters); PubMed 31911673 (cited by Quest Diagnostics Nichols Institute San Juan Capistrano); PubMed 30702160 (cited by Quest Diagnostics Nichols Institute San Juan Capistrano); PubMed 31825140 (cited by Quest Diagnostics Nichols Institute San Juan Capistrano).